The following is an entry in ClinVar:

NM_001853.4(COL9A3):c.421C>G (p.Pro141Ala)

Gene: COL9A3 (collagen type IX alpha 3 chain; plus strand). Cytogenetic location: 20q13.33.
Variant type: single nucleotide variant.
Coding change: c.421C>G on transcript NM_001853.4 (MANE Select); coding-DNA position 421, C replaced by G.
Protein change: p.Pro141Ala; replaces proline 141 with alanine.
Molecular consequence: missense variant.
Genome position (GRCh38, 1-based): chr20:62,821,808, C>G. VCF-style: chr20-62821808-C-G. GRCh37 (hg19) VCF-style: chr20-61453160-C-G.
Other names: short protein forms P141A.
Identifiers: ClinVar variation 3268876 (VCV003268876.2).

ClinVar aggregate classification (germline): Uncertain significance. Review status: criteria provided, multiple submitters, no conflicts (2 of 4 stars). 2 submissions from 2 submitters: Uncertain significance (2). Last evaluated 2025-08-19.

Conditions:
COL9A3-related disorder. Also called: COL9A3-related condition.
Inborn genetic diseases. Identifiers: MedGen C0950123, MeSH D030342.

Submissions (2):

PreventionGenetics, part of Exact Sciences
Classification: Uncertain significance for COL9A3-related condition. Last evaluated: 2025-08-19. Review status: criteria provided, single submitter. Criteria: ACMG Guidelines, 2015. Collection method: clinical testing. Allele origin: germline.
Comment: The COL9A3 c.421C>G variant is predicted to result in the amino acid substitution p.Pro141Ala. To our knowledge, this variant has not been reported in the literature or in a large population database (gnomAD), indicating this variant is rare. At this time, the clinical significance of this variant is uncertain due to the absence of conclusive functional and genetic evidence.

Ambry Genetics
Classification: Uncertain significance for Inborn genetic diseases. Last evaluated: 2024-03-31. Review status: criteria provided, single submitter. Criteria: Ambry Variant Classification Scheme 2023. Collection method: clinical testing. Allele origin: germline.